The following is an entry in ClinVar:

NM_020191.4(MRPS22):c.750T>A (p.Tyr250Ter)

Gene: MRPS22 (mitochondrial ribosomal protein S22; plus strand). Cytogenetic location: 3q23.
Variant type: single nucleotide variant.
Coding change: c.750T>A on transcript NM_020191.4 (MANE Select); coding-DNA position 750, T replaced by A.
Protein change: p.Tyr250Ter; replaces tyrosine 250 with a stop codon.
Molecular consequence: nonsense.
Genome position (GRCh38, 1-based): chr3:139,352,664, T>A. VCF-style: chr3-139352664-T-A. GRCh37 (hg19) VCF-style: chr3-139071506-T-A.
Other names: c.627T>A, p.Tyr209Ter (NM_001363857.1); c.747T>A, p.Tyr249Ter (NM_001363893.1); short protein forms Y209*, Y249*, Y250*.
Identifiers: ClinVar variation 4851861 (VCV004851861.1).
Genomic context (GRCh38, chr3:139,352,664, plus strand): 5'-TCTTATTTTCATGTTTCTGAAGAGTTGCATTTTATGTGGATAGGTTCATCACAAGACCTA[T>A]GAAGATATAGATAAACGTGGAAAATATGACCTTTTACGTTCAACAAGATACTTTGGTGGA-3'

ClinVar aggregate classification (germline): Likely pathogenic (1 of 4 stars; one submission).

Submission:

Dasa
Classification: Likely pathogenic. Last evaluated: 2025-11-08. Review status: criteria provided, single submitter. Criteria: DASA Assertion Criteria. Collection method: clinical testing. Allele origin: germline.
Comment: NM_020191.4(MRPS22):c.750T>A (p.Tyr250*) introduces a premature termination codon predicted to result in loss of normal protein function. Loss-of-function is an established mechanism of disease for this gene. The variant is present at low frequency in population datasets. Based on the available data, this variant is classified as likely pathogenic.